The following is an entry in ClinVar:

ClinVar aggregate classification (germline): Uncertain significance (1 of 4 stars; one submission).

gnomAD v4.1: 2 of 1,614,042 alleles (0.00012%); highest among the groups gnomAD compares: African/African-American, 0.0013%; no homozygotes.

Submission:

Labcorp Genetics (formerly Invitae), Labcorp
Classification: Uncertain significance. Last evaluated: 2022-03-10. Review status: criteria provided, single submitter. Criteria: Invitae Variant Classification Sherloc (09022015). Collection method: clinical testing. Allele origin: germline.
Comment: This sequence change replaces glycine, which is neutral and non-polar, with arginine, which is basic and polar, at codon 368 of the SLC7A14 protein (p.Gly368Arg). In summary, the available evidence is currently insufficient to determine the role of this variant in disease. Therefore, it has been classified as a Variant of Uncertain Significance. Algorithms developed to predict the effect of missense changes on protein structure and function (SIFT, PolyPhen-2, Align-GVGD) all suggest that this variant is likely to be disruptive. This variant has not been reported in the literature in individuals affected with SLC7A14-related conditions. This variant is present in population databases (rs538962915, gnomAD 0.002%).

NM_020949.3(SLC7A14):c.1102G>C (p.Gly368Arg)

Genes: SLC7A14 (solute carrier family 7 member 14; minus strand), SLC7A14-AS1 (SLC7A14 antisense RNA 1; plus strand). Cytogenetic location: 3q26.2.
Variant type: single nucleotide variant.
Coding change: c.1102G>C on transcript NM_020949.3 (MANE Select); coding-DNA position 1102, G replaced by C.
Protein change: p.Gly368Arg; replaces glycine 368 with arginine.
Molecular consequence: missense variant.
Genome position (GRCh38, 1-based): chr3:170,483,327, C>G on the plus strand (G>C on the coding strand, the complement: SLC7A14 is on the minus strand). VCF-style: chr3-170483327-C-G. GRCh37 (hg19) VCF-style: chr3-170201116-C-G.
Other names: short protein forms G368R.
Identifiers: ClinVar variation 1495193 (VCV001495193.6), dbSNP rs538962915, ClinGen allele CA2701717.